The following is an entry in ClinVar:

NM_024675.4(PALB2):c.1363A>G (p.Asn455Asp)

Gene: PALB2 (partner and localizer of BRCA2; minus strand). Cytogenetic location: 16p12.2.
Variant type: single nucleotide variant.
Coding change: c.1363A>G on transcript NM_024675.4 (MANE Select); coding-DNA position 1363, A replaced by G.
Protein change: p.Asn455Asp; replaces asparagine 455 with aspartic acid.
Molecular consequence: missense variant.
Genome position (GRCh38, 1-based): chr16:23,635,183, T>C on the plus strand (A>G on the coding strand, the complement: PALB2 is on the minus strand). VCF-style: chr16-23635183-T-C. GRCh37 (hg19) VCF-style: chr16-23646504-T-C.
Other names: c.1303A>G, p.Asn435Asp (NM_001407296.1); c.1363A>G, p.Asn455Asp (NM_001407297.1, NM_001407298.1, NM_001407299.1 and 3 more transcripts); c.478A>G, p.Asn160Asp (NM_001407304.1, NM_001407305.1, NM_001407306.1 and 5 more transcripts); short protein forms N435D, N455D, N160D.
Identifiers: ClinVar variation 1770882 (VCV001770882.3), dbSNP rs2506480193, ClinGen allele CA395131481.

ClinVar aggregate classification (germline): Uncertain significance (1 of 4 stars; one submission).

Conditions:
Hereditary cancer-predisposing syndrome. Also called: Hereditary Cancer Syndrome; Hereditary neoplastic syndrome; Neoplastic Syndromes, Hereditary; Tumor predisposition. Identifiers: Orphanet 140162, MedGen C0027672, MeSH D009386, MONDO:0015356.

gnomAD v4.1: 1 of 1,614,196 alleles (0.000062%); highest among the groups gnomAD compares: Middle Eastern, 0.016%; no homozygotes.

Submission:

Ambry Genetics
Classification: Uncertain significance for Hereditary cancer-predisposing syndrome. Last evaluated: 2025-02-15. Review status: criteria provided, single submitter. Criteria: Ambry Variant Classification Scheme 2023. Collection method: clinical testing. Allele origin: germline.
Comment: The p.N455D variant (also known as c.1363A>G), located in coding exon 4 of the PALB2 gene, results from an A to G substitution at nucleotide position 1363. The asparagine at codon 455 is replaced by aspartic acid, an amino acid with highly similar properties. This amino acid position is conserved. In addition, this alteration is predicted to be tolerated by in silico analysis. Since supporting evidence is limited at this time, the clinical significance of this alteration remains unclear.